The following is an entry in ClinVar:

ClinVar aggregate classification (germline): Likely pathogenic (1 of 4 stars; one submission).

Conditions:
Neuroblastoma (NB). Identifiers: Orphanet 635, MedGen C0027819, MeSH D009447, MONDO:0005072, HP:0003006.

Submission:

St. Jude Molecular Pathology, St. Jude Children's Research Hospital
Classification: Likely pathogenic for Neuroblastoma. Last evaluated: 2017-06-19. Review status: criteria provided, single submitter. Criteria: ACMG Guidelines, 2015. Collection method: clinical testing. Allele origin: germline. Affected: yes.
Comment: This is a nonsense alteration in which a C is replaced by a T at coding nucleotide 535 and is predicted to change a Glutamine to a premature stop codon at amino acid codon 179. Classification criteria: PVS1, PM2.

NM_003072.5(SMARCA4):c.535C>T (p.Gln179Ter)

Gene: SMARCA4 (SWI/SNF related BAF chromatin remodeling complex subunit ATPase 4; plus strand). Cytogenetic location: 19p13.2.
Variant type: single nucleotide variant.
Coding change: c.535C>T on transcript NM_003072.5 (MANE Select); coding-DNA position 535, C replaced by T.
Protein change: p.Gln179Ter; replaces glutamine 179 with a stop codon.
Molecular consequence: nonsense. On other transcripts: non-coding transcript variant (1).
Genome position (GRCh38, 1-based): chr19:10,986,368, C>T. VCF-style: chr19-10986368-C-T. GRCh37 (hg19) VCF-style: chr19-11097044-C-T.
Other names: c.535C>T, p.Gln179Ter (NM_001128844.3, NM_001128845.2, NM_001128846.2 and 5 more transcripts); short protein forms Q179*.
Identifiers: ClinVar variation 590848 (VCV000590848.3), dbSNP rs1469271544, ClinGen allele CA404056292.